The following is an entry in ClinVar:

ClinVar aggregate classification (germline): Conflicting classifications of pathogenicity. Review status: criteria provided, conflicting classifications (1 of 4 stars). 3 submissions from 3 submitters: Uncertain significance (1); Likely benign (2). Last evaluated 2025-07-25.

Conditions:
Menkes kinky-hair syndrome (MNK). Also called: Copper transport disease; Classic Menkes Disease; Menkes Disease. Identifiers: Orphanet 565, MedGen C0022716, MONDO:0010651, OMIM 309400.
X-linked distal spinal muscular atrophy type 3. Also called: ATP7A-Related Distal Motor Neuropathy; SPINAL MUSCULAR ATROPHY, DISTAL, X-LINKED RECESSIVE; NEURONOPATHY, DISTAL HEREDITARY MOTOR, X-LINKED; NEUROPATHY, DISTAL HEREDITARY MOTOR, X-LINKED. Identifiers: Orphanet 139557, MedGen C1845359, MONDO:0010338, OMIM 300489.
Cutis laxa, X-linked (OHS). Also called: EDS IX; Occipital horn syndrome. Identifiers: Orphanet 198, MedGen C0268353, MONDO:0010572, OMIM 304150.

Allele frequency attached by ClinVar (database versions not stated): ExAC 0.00001; gnomAD exomes 0.00001; TOPMed 0.00001.
gnomAD v4.1: 11 of 1,210,171 alleles (0.00091%); highest among the groups gnomAD compares: Non-Finnish European, 0.0011%; no homozygotes.

Submissions (3):

Women's Health and Genetics/Laboratory Corporation of America, LabCorp
Classification: Uncertain significance. Last evaluated: 2025-07-25. Review status: criteria provided, single submitter. Criteria: LabCorp Variant Classification Summary - May 2015. Collection method: clinical testing. Allele origin: germline.
Comment: Variant summary: ATP7A c.1252A>T (p.Thr418Ser) results in a conservative amino acid change in the encoded protein sequence. Algorithms developed to predict the effect of missense changes on protein structure and function all suggest that this variant is likely to be tolerated. The variant allele was found at a frequency of 5.5e-06 in 181417 control chromosomes. The available data on variant occurrences in the general population are insufficient to allow any conclusion about variant significance. To our knowledge, no occurrence of c.1252A>T in individuals affected with Menkes kinky-hair syndrome and no experimental evidence demonstrating its impact on protein function have been reported. ClinVar contains an entry for this variant (Variation ID: 1045501). Based on the evidence outlined above, the variant was classified as uncertain significance.

Labcorp Genetics (formerly Invitae), Labcorp
Classification: Likely benign for X-linked distal spinal muscular atrophy type 3; Cutis laxa, X-linked; Menkes kinky-hair syndrome. Last evaluated: 2024-01-10. Review status: criteria provided, single submitter. Criteria: Invitae Variant Classification Sherloc (09022015). Collection method: clinical testing. Allele origin: germline.

CeGaT Center for Human Genetics Tuebingen
Classification: Likely benign. Last evaluated: 2023-01-01. Review status: criteria provided, single submitter. Criteria: CeGaT Center For Human Genetics Tuebingen Variant Classification Criteria Version 2. Collection method: clinical testing. Allele origin: germline. Affected: yes. Observed: 1 variant allele.
Comment: ATP7A: BP4

NM_000052.7(ATP7A):c.1252A>T (p.Thr418Ser)

Gene: ATP7A (ATPase copper transporting alpha; plus strand). Cytogenetic location: Xq21.1.
Variant type: single nucleotide variant.
Coding change: c.1252A>T on transcript NM_000052.7 (MANE Select); coding-DNA position 1252, A replaced by T.
Protein change: p.Thr418Ser; replaces threonine 418 with serine.
Molecular consequence: missense variant.
Genome position (GRCh38, 1-based): chrX:77,989,874, A>T. VCF-style: chrX-77989874-A-T. GRCh37 (hg19) VCF-style: chrX-77245370-A-T.
Other names: c.1252A>T, p.Thr418Ser (NM_001282224.2); short protein forms T418S.
Identifiers: ClinVar variation 1045501 (VCV001045501.36), dbSNP rs782505393, ClinGen allele CA10459011.